The following is an entry in ClinVar:

ClinVar aggregate classification (germline): Benign. Review status: criteria provided, multiple submitters, no conflicts (2 of 4 stars). 4 submissions from 4 submitters: Benign (3). 1 of the submissions does not count toward it. Last evaluated 2026-01-15.

Conditions:
ADAMTS9-related disorder. Also called: ADAMTS9-related condition.

Allele frequency attached by ClinVar (database versions not stated): ESP Exome Variant Server 0.00131; gnomAD 0.00746 and 0.00992; TOPMed 0.01414; ExAC 0.02045; gnomAD exomes 0.02334; 1000 Genomes Project 0.03135; 1000 Genomes Project 30x 0.03092.

Submissions (4):

Labcorp Genetics (formerly Invitae), Labcorp
Classification: Benign. Last evaluated: 2026-01-15. Review status: criteria provided, single submitter. Criteria: Invitae Variant Classification Sherloc (09022015). Collection method: clinical testing. Allele origin: germline.

GeneDx
Classification: Benign. Last evaluated: 2021-05-04. Review status: criteria provided, single submitter. Criteria: GeneDx Variant Classification Process June 2021. Collection method: clinical testing. Allele origin: germline. Affected: yes.

Breakthrough Genomics
Classification: Benign. Review status: criteria provided, single submitter. Criteria: ACMG Guidelines, 2015. Collection method: not provided. Allele origin: germline. Inheritance: Unknown mechanism. Affected: yes.

PreventionGenetics, part of Exact Sciences
Classification: Benign for ADAMTS9-related condition. Last evaluated: 2019-07-12. Review status: no assertion criteria provided. Collection method: clinical testing. Allele origin: germline. Not counted in ClinVar's aggregate classification.
Comment: This variant is classified as benign based on ACMG/AMP sequence variant interpretation guidelines (Richards et al. 2015 PMID: 25741868, with internal and published modifications).

NM_182920.2(ADAMTS9):c.5219A>G (p.Lys1740Arg)

Genes: ADAMTS9 (ADAM metallopeptidase with thrombospondin type 1 motif 9; minus strand), LOC126806704 (BRD4-independent group 4 enhancer GRCh37_chr3:64526487-64527686; plus strand). Cytogenetic location: 3p14.1.
Variant type: single nucleotide variant.
Coding change: c.5219A>G on transcript NM_182920.2 (MANE Select); coding-DNA position 5219, A replaced by G.
Protein change: p.Lys1740Arg; replaces lysine 1740 with arginine.
Molecular consequence: missense variant.
Genome position (GRCh38, 1-based): chr3:64,541,599, T>C on the plus strand (A>G on the coding strand, the complement: ADAMTS9 is on the minus strand). VCF-style: chr3-64541599-T-C. GRCh37 (hg19) VCF-style: chr3-64527275-T-C.
Other names: c.5135A>G, p.Lys1712Arg (NM_001318781.2); short protein forms K1712R, K1740R.
Identifiers: ClinVar variation 1251224 (VCV001251224.13), dbSNP rs17070967, ClinGen allele CA2480212.
Genomic context (GRCh38, chr3:64,541,599, plus strand): 5'-CCTCTAATCATCAGGAAATATTCACCATCTTCACTGGCACCTTTAAGTCTTTTTACCTCC[T>C]TGCAATTCTGGGGTAACTCACCTAGAAAACACCAATCACAAAAAATAGGGTGTGATGATC-3'
Protein context (NP_891550.1, residues 1730-1750): VYNCELPQNC[Lys1740Arg]EVKRLKGASE